The following is an entry in ClinVar:

ClinVar aggregate classification (germline): Uncertain significance (1 of 4 stars; one submission).

Conditions:
Hereditary cancer-predisposing syndrome. Also called: Neoplastic Syndromes, Hereditary; Tumor predisposition; Hereditary neoplastic syndrome; Hereditary Cancer Syndrome. Identifiers: Orphanet 140162, MedGen C0027672, MeSH D009386, MONDO:0015356.

Submission:

Ambry Genetics
Classification: Uncertain significance for Hereditary cancer-predisposing syndrome. Last evaluated: 2026-07-07. Review status: criteria provided, single submitter. Criteria: Ambry Variant Classification Scheme 2023. Collection method: clinical testing. Allele origin: germline.
Comment: The p.S2621F variant (also known as c.7862C>T), located in coding exon 15 of the APC gene, results from a C to T substitution at nucleotide position 7862. The serine at codon 2621 is replaced by phenylalanine, an amino acid with highly dissimilar properties. This amino acid position is conserved. In addition, in silico predictors for this gene do not accurately predict pathogenicity. Based on the available evidence, the clinical significance of this variant remains unclear.

NM_000038.6(APC):c.7862C>T (p.Ser2621Phe)

Gene: APC (APC regulator of Wnt signaling pathway; plus strand). Cytogenetic location: 5q22.2.
Variant type: single nucleotide variant.
Coding change: c.7862C>T on transcript NM_000038.6 (MANE Select); coding-DNA position 7862, C replaced by T.
Protein change: p.Ser2621Phe; replaces serine 2621 with phenylalanine.
Molecular consequence: missense variant. On other transcripts: non-coding transcript variant (2).
Genome position (GRCh38, 1-based): chr5:112,843,456, C>T. VCF-style: chr5-112843456-C-T. GRCh37 (hg19) VCF-style: chr5-112179153-C-T.
Other names: c.7862C>T, p.Ser2621Phe (NM_001127510.3, NM_001354895.2, NM_001407450.1); c.7808C>T, p.Ser2603Phe (NM_001127511.3); c.7916C>T, p.Ser2639Phe (NM_001354896.2, NM_001407447.1, NM_001407448.1 and 1 more transcripts); c.7892C>T, p.Ser2631Phe (NM_001354897.2); c.7787C>T, p.Ser2596Phe (NM_001354898.2); c.7778C>T, p.Ser2593Phe (NM_001354899.2); c.7739C>T, p.Ser2580Phe (NM_001354900.2); c.7685C>T, p.Ser2562Phe (NM_001354901.2, NM_001407453.1); and 11 more; short protein forms S2237F, S2495F, S2580F, S2603F, S2611F, S2621F, S2631F, S2639F.
Identifiers: ClinVar variation 5025262 (VCV005025262.1).